The following is an entry in ClinVar:

NM_000094.4(COL7A1):c.8245G>A (p.Gly2749Arg)

Gene: COL7A1 (collagen type VII alpha 1 chain; minus strand). Cytogenetic location: 3p21.31.
Variant type: single nucleotide variant.
Coding change: c.8245G>A on transcript NM_000094.4 (MANE Select); coding-DNA position 8245, G replaced by A.
Protein change: p.Gly2749Arg; replaces glycine 2749 with arginine.
Molecular consequence: missense variant.
Genome position (GRCh38, 1-based): chr3:48,566,719, C>T on the plus strand (G>A on the coding strand, the complement: COL7A1 is on the minus strand). VCF-style: chr3-48566719-C-T. GRCh37 (hg19) VCF-style: chr3-48604152-C-T.
Other names: c.8245G>A (NM_000094.3); short protein forms G2749R.
Identifiers: ClinVar variation 17460 (VCV000017460.13), dbSNP rs121912853, ClinGen allele CA257965.

ClinVar aggregate classification (germline): Pathogenic/Likely pathogenic. Review status: criteria provided, multiple submitters, no conflicts (2 of 4 stars). 7 submissions from 7 submitters: Pathogenic (5); Likely pathogenic (1). 1 of the submissions does not count toward it. Last evaluated 2025-12-26.

Conditions:
COL7A1-related disorder. Also called: COL7A1-related condition; COL7A1- related disorders.
Epidermolysis bullosa dystrophica. Also called: Dystrophic epidermolysis bullosa, Hallopeau-Siemens type (formerly); Dystrophic epidermolysis bullosa. Identifiers: Orphanet 303, MedGen C0079294, MONDO:0006543.
Recessive dystrophic epidermolysis bullosa (RDEB). Also called: severe generalized recessive dystrophic epidermolysis bullosa; EPIDERMOLYSIS BULLOSA DYSTROPHICA, GENERALIZED SEVERE, AUTOSOMAL RECESSIVE; DYSTROPHIC EPIDERMOLYSIS BULLOSA, AUTOSOMAL RECESSIVE; Recessive DEB (RDEB); Epidermolysis Bullosa Distrophica Autosomal Recessive (RDEB); EPIDERMOLYSIS BULLOSA DYSTROPHICA, HALLOPEAU-SIEMENS TYPE. Identifiers: Orphanet 79408, Orphanet 79409, MedGen C0079474, MONDO:0009179, OMIM 226600.

Allele frequency attached by ClinVar (database versions not stated): gnomAD 0.00001; gnomAD exomes 0.00001; TOPMed 0.00001.
gnomAD v4.1: 16 of 1,613,778 alleles (0.00099%); highest among the groups gnomAD compares: Admixed American, 0.0017%; no homozygotes.

Submissions (7):

Myriad Genetics, Inc.
Classification: Likely pathogenic for Recessive dystrophic epidermolysis bullosa. Last evaluated: 2025-12-26. Review status: criteria provided, single submitter. Criteria: Myriad Autosomal Dominant, Autosomal Recessive and X-Linked Classification Criteria (2023). Collection method: clinical testing. Allele origin: unknown.
Comment: NM_000094.3(COL7A1):c.8245G>A(G2749R) is a missense variant classified as likely pathogenic in the context of dystrophic epidermolysis bullosa. G2749R has been observed in cases with relevant disease (PMID: 8644729, 29473190, 34435747, 36287101, 36430820, 37291213, 38368142, 39688128). Relevant functional assessments of this variant are not available in the literature. G2749R has been observed in referenced population frequency databases. In summary, NM_000094.3(COL7A1):c.8245G>A(G2749R) is a missense variant that has been observed more frequently in cases with the relevant disease than in healthy populations. Please note: this variant was assessed in the context of healthy population screening.

3billion
Classification: Pathogenic for COL7A1-related disorder. Last evaluated: 2025-12-08. Review status: criteria provided, single submitter. Criteria: ACMG Guidelines, 2015. Collection method: clinical testing. Allele origin: germline. Affected: yes.
Comment: The variant is observed at an extremely low frequency in the gnomAD v4.1.0 dataset (total allele frequency: <0.001%). Predicted Consequence/Location: Missense variant. The variant is located in a mutational hot spot and/or well-established functional domain in which established pathogenic variants have been reported. (PMID: 8644729) In silico tool predictions suggest damaging effect of the variant on gene or gene product [REVEL: 0.94 (>=0.6, sensitivity 0.68 and specificity 0.92); 3Cnet: 0.98 (> 0.75, sensitivity 0.96 and precision 0.92)]. The same nucleotide change resulting in the same amino acid change has been previously reported as pathogenic/likely pathogenic with strong evidence (ClinVar ID: VCV000017460 /PMID: 8644729). A different missense change at the same codon (p.Gly2749Glu) has been reported as pathogenic/likely pathogenic with strong evidence (ClinVar ID: VCV001339157 /PMID: 37556444). Therefore, this variant is classified as Pathogenic according to the recommendation of ACMG/AMP guideline.

Natera, Inc.
Classification: Pathogenic for Dystrophic epidermolysis bullosa. Last evaluated: 2025-08-07. Review status: criteria provided, single submitter. Criteria: Natera Variant Classification Schema (03/2026). Collection method: clinical testing. Allele origin: germline.
Comment: The c.8245G>A variant in COL7A1 is a missense variant predicted to cause substitution of glycine to arginine at amino acid 2749. This variant is rare in the general population with a frequency below the threshold expected for the associated phenotype(s). This variant has been observed in one or more individuals affected with the associated recessive disease, as either homozygous or compound heterozygous with a second variant (PMID: 40701620, 25683012). Computational prediction algorithms indicate this variant is likely to affect gene or protein function. Given the available evidence, this variant is classified as Pathogenic.

Labcorp Genetics (formerly Invitae), Labcorp
Classification: Pathogenic. Last evaluated: 2024-01-25. Review status: criteria provided, single submitter. Criteria: Invitae Variant Classification Sherloc (09022015). Collection method: clinical testing. Allele origin: germline.
Comment: This sequence change replaces glycine, which is neutral and non-polar, with arginine, which is basic and polar, at codon 2749 of the COL7A1 protein (p.Gly2749Arg). This variant is present in population databases (rs121912853, gnomAD 0.007%). This missense change has been observed in individuals with autosomal recessive dystrophic epidermolysis bullosa (PMID: 8644729, 29334134, 29473190). It has also been observed to segregate with disease in related individuals. ClinVar contains an entry for this variant (Variation ID: 17460). Advanced modeling of protein sequence and biophysical properties (such as structural, functional, and spatial information, amino acid conservation, physicochemical variation, residue mobility, and thermodynamic stability) performed at Invitae indicates that this missense variant is expected to disrupt COL7A1 protein function with a positive predictive value of 95%. Experimental studies have shown that this missense change affects COL7A1 function (PMID: 18450758). For these reasons, this variant has been classified as Pathogenic.

GeneDx
Classification: Pathogenic. Last evaluated: 2023-12-13. Review status: criteria provided, single submitter. Criteria: GeneDx Variant Classification Process June 2021. Collection method: clinical testing. Allele origin: germline. Affected: yes.
Comment: Located in the highly conserved Gly-X-Y repeat of the collagenous domain; Glycine substitution variants in this region of the COLVII protein destabilize the collagen triple helix resulting in skin fragility due to poor anchoring of the basement membrane to the underlying dermis (Pfendner and Lucky, 2018); In silico analysis supports that this missense variant has a deleterious effect on protein structure/function; This variant is associated with the following publications: (PMID: 25525159, 21448560, 29334134, 8644729, 29473190, 34435747)

Victorian Clinical Genetics Services, Murdoch Childrens Research Institute
Classification: Pathogenic for Recessive dystrophic epidermolysis bullosa. Last evaluated: 2022-09-02. Review status: criteria provided, single submitter. Criteria: ACMG Guidelines, 2015. Collection method: clinical testing. Allele origin: germline. Inheritance: Autosomal recessive inheritance. Affected: yes.
Comment: Based on the classification scheme VCGS_Germline_v1.3.4, this variant is classified as Pathogenic. Following criteria are met: 0103 - Dominant negative and loss of function are known mechanisms of disease in this gene and are associated with dystrophic epidermolysis bullosa (DEB) (OMIM, PMID: 31670143). (I) 0108 - This gene is associated with both recessive and dominant disease. The spectrum of DEB associated with this gene can be either dominant or recessive. Dominant inheritance (DDEB; MIM#131750) is typically associated with milder phenotypes, whereas recessive inheritance (RDEB; MIM#226600) is usually observed in more severe cases (OMIM). (I) 0115 - Variants in this gene are known to have variable expressivity. Severity ranges from involving exclusively nails, to generalized and severe blistering and scarring (PMID: 31670143). (I) 0200 - Variant is predicted to result in a missense amino acid change from glycine to arginine. (I) 0252 - This variant is homozygous. (I) 0304 - Variant is present in gnomAD <0.01 for a recessive condition (v2: 4 heterozygotes, 0 homozygotes). (SP) 0501 - Missense variant consistently predicted to be damaging by multiple in silico tools or highly conserved with a major amino acid change. (SP) 0601 - Variant is located in the well-established functional G-X-Y motif within a collagen domain (DECIPHER). (SP) 0704 - Another missense variant comparable to the one identified in this case has limited previous evidence for pathogenicity. A change to valine was regarded as likely pathogenic in LOVD. (SP) 0801 - This variant has strong previous evidence of pathogenicity in unrelated individuals. It has been submitted as likely pathogenic and pathogenic in ClinVar. In addition, it has been reported in multiple individuals with autosomal recessive dystrophic epidermolysis bullosa (PMIDs: 8644729, 29473190, 29334134, 22209565). (SP) 1002 - This variant has moderate functional evidence supporting abnormal protein function. Transfection studies demonstrated that mutant impaired protein stability and resulted in inability to form trimers (PMID: 11698408). (I) Legend: (SP) - Supporting pathogenic, (I) - Information, (SB) - Supporting benign

OMIM
Classification: Pathogenic for EPIDERMOLYSIS BULLOSA DYSTROPHICA, AUTOSOMAL RECESSIVE. Last evaluated: 1996-04-01. Review status: no assertion criteria provided. Collection method: literature only. Allele origin: germline. Not counted in ClinVar's aggregate classification.

Literature cited by the submitters: PubMed 29473190 (cited by 3 submitters); PubMed 34435747 (cited by Myriad Genetics, Inc.); PubMed 36287101 (cited by Myriad Genetics, Inc.); PubMed 36430820 (cited by Myriad Genetics, Inc.); PubMed 37291213 (cited by Myriad Genetics, Inc.); PubMed 38368142 (cited by Myriad Genetics, Inc.); PubMed 39688128 (cited by Myriad Genetics, Inc.); PubMed 8644729 (cited by 5 submitters); PubMed 37556444 (cited by 3billion); PubMed 40701620 (cited by Natera, Inc.); PubMed 25683012 (cited by Natera, Inc.); PubMed 29334134 (cited by Labcorp Genetics (formerly Invitae), Labcorp and Victorian Clinical Genetics Services, Murdoch Childrens Research Institute); PubMed 18450758 (cited by Labcorp Genetics (formerly Invitae), Labcorp); PubMed 11698408 (cited by Victorian Clinical Genetics Services, Murdoch Childrens Research Institute); PubMed 22209565 (cited by Victorian Clinical Genetics Services, Murdoch Childrens Research Institute); PubMed 31670143 (cited by Victorian Clinical Genetics Services, Murdoch Childrens Research Institute).